The following is an entry in ClinVar:

ClinVar aggregate classification (germline): Pathogenic (1 of 4 stars; one submission).

Conditions:
Perlman syndrome (PRLMNS). Identifiers: Orphanet 2849, MedGen C0796113, MONDO:0009965, OMIM 267000.

Submission:

Labcorp Genetics (formerly Invitae), Labcorp
Classification: Pathogenic for Perlman syndrome. Last evaluated: 2019-05-11. Review status: criteria provided, single submitter. Criteria: Invitae Variant Classification Sherloc (09022015). Collection method: clinical testing. Allele origin: germline.
Comment: This variant has not been reported in the literature in individuals with DIS3L2-related conditions. Loss-of-function variants in DIS3L2 are known to be pathogenic (PMID: 22306653). For these reasons, this variant has been classified as Pathogenic. This variant is not present in population databases (ExAC no frequency). This sequence change creates a premature translational stop signal (p.Ile181Asnfs*8) in the DIS3L2 gene. It is expected to result in an absent or disrupted protein product.

Literature cited by the submitters: PubMed 22306653.

NM_152383.5(DIS3L2):c.541dup (p.Ile181fs)

Gene: DIS3L2 (DIS3 like 3'-5' exoribonuclease 2; plus strand). Cytogenetic location: 2q37.1.
Variant type: Duplication.
Coding change: c.541dup on transcript NM_152383.5 (MANE Select); coding-DNA position 541, one base duplicated (A; older notation c.541dupA).
Protein change: p.Ile181fs; shifts the reading frame from isoleucine 181.
Molecular consequence: frameshift variant. On other transcripts: non-coding transcript variant (2).
Genome position (GRCh38, 1-based): chr2:232,087,661, A duplicated. VCF-style (leftmost placement, unchanged base first): chr2-232087660-C-CA. GRCh37 (hg19) VCF-style: chr2-232952370-C-CA.
Other names: c.541dup, p.Ile181fs (NM_001257281.2, NM_001257282.2); short protein forms I181fs.
Identifiers: ClinVar variation 944496 (VCV000944496.7), dbSNP rs1696704929, ClinGen allele CA1139657784.
Genomic context (GRCh38, chr2:232,087,660, plus strand): 5'-CAGTCCTGATGTCATTGTAGAGGCTCAGTTTGATGGCAGCGACTCAGAAGATGGACATGG[C>CA]ATCACACAAAATGTGCTGGTTGATGGTGTTAAGAAACTCTCAGTTTGTGTTTCTGAGAAA-3'